The following is an entry in ClinVar:

ClinVar aggregate classification (germline): Uncertain significance (1 of 4 stars; one submission).

Conditions:
Inborn genetic diseases. Identifiers: MedGen C0950123, MeSH D030342.

Submission:

Ambry Genetics
Classification: Uncertain significance for Inborn genetic diseases. Last evaluated: 2024-02-28. Review status: criteria provided, single submitter. Criteria: Ambry Variant Classification Scheme 2023. Collection method: clinical testing. Allele origin: germline.
Comment: The p.C537R variant (also known as c.1609T>C), located in coding exon 14 of the LRRK2 gene, results from a T to C substitution at nucleotide position 1609. The cysteine at codon 537 is replaced by arginine, an amino acid with highly dissimilar properties. This amino acid position is conserved. In addition, the in silico prediction for this alteration is inconclusive. Based on the available evidence, the clinical significance of this alteration remains unclear.

NM_198578.4(LRRK2):c.1609T>C (p.Cys537Arg)

Gene: LRRK2 (leucine rich repeat kinase 2; plus strand). Cytogenetic location: 12q12.
Variant type: single nucleotide variant.
Coding change: c.1609T>C on transcript NM_198578.4 (MANE Select); coding-DNA position 1609, T replaced by C.
Protein change: p.Cys537Arg; replaces cysteine 537 with arginine.
Molecular consequence: missense variant.
Genome position (GRCh38, 1-based): chr12:40,263,854, T>C. VCF-style: chr12-40263854-T-C. GRCh37 (hg19) VCF-style: chr12-40657656-T-C.
Other names: short protein forms C537R.
Identifiers: ClinVar variation 3229521 (VCV003229521.1), dbSNP rs2499572392, ClinGen allele CA384399022.